The following is an entry in ClinVar:

ClinVar aggregate classification (germline): Uncertain significance (1 of 4 stars; one submission).

Submission:

Dasa
Classification: Uncertain significance. Last evaluated: 2026-03-29. Review status: criteria provided, single submitter. Criteria: DASA Assertion Criteria. Collection method: clinical testing. Allele origin: germline.
Comment: NM_024496.4(IRF2BPL):c.1640C>T (p.Ser547Phe) is a missense variant that results in the substitution of serine with phenylalanine. This variant is rare in population databases. The currently available literature and clinical evidence are not sufficient to establish a definitive association between this variant and the reported condition. Therefore, this variant is classified as a variant of uncertain significance.

NM_024496.4(IRF2BPL):c.1640C>T (p.Ser547Phe)

Gene: IRF2BPL (interferon regulatory factor 2 binding protein like; minus strand). Cytogenetic location: 14q24.3.
Variant type: single nucleotide variant.
Coding change: c.1640C>T on transcript NM_024496.4 (MANE Select); coding-DNA position 1640, C replaced by T.
Protein change: p.Ser547Phe; replaces serine 547 with phenylalanine.
Molecular consequence: missense variant.
Genome position (GRCh38, 1-based): chr14:77,026,153, G>A on the plus strand (C>T on the coding strand, the complement: IRF2BPL is on the minus strand). VCF-style: chr14-77026153-G-A. GRCh37 (hg19) VCF-style: chr14-77492496-G-A.
Other names: short protein forms S547F.
Identifiers: ClinVar variation 4883030 (VCV004883030.2).